The following is an entry in ClinVar:

ClinVar aggregate classification (germline): Uncertain significance (1 of 4 stars; one submission).

Submission:

Ambry Genetics
Classification: Uncertain significance. Last evaluated: 2025-11-08. Review status: criteria provided, single submitter. Criteria: Ambry Variant Classification Scheme 2023. Collection method: clinical testing. Allele origin: germline.
Comment: The p.S175C variant (also known as c.523A>T), located in coding exon 3 of the ATRIP gene, results from an A to T substitution at nucleotide position 523. The serine at codon 175 is replaced by cysteine, an amino acid with dissimilar properties. This amino acid position is conserved. In addition, this alteration is predicted to be tolerated by in silico analysis. Based on the available evidence, the clinical significance of this variant remains unclear.

NM_130384.3(ATRIP):c.523A>T (p.Ser175Cys)

Genes: ATRIP (ATR interacting protein; plus strand), ATRIP-TREX1 (ATRIP-TREX1 readthrough; plus strand). Cytogenetic location: 3p21.31.
Variant type: single nucleotide variant.
Coding change: c.523A>T on transcript NM_130384.3 (MANE Select); coding-DNA position 523, A replaced by T.
Protein change: p.Ser175Cys; replaces serine 175 with cysteine.
Molecular consequence: missense variant. On other transcripts: non-coding transcript variant (1).
Genome position (GRCh38, 1-based): chr3:48,451,870, A>T. VCF-style: chr3-48451870-A-T. GRCh37 (hg19) VCF-style: chr3-48493276-A-T.
Other names: c.142A>T, p.Ser48Cys (NM_001271022.2); c.244A>T, p.Ser82Cys (NM_001271023.2); c.523A>T, p.Ser175Cys (NM_032166.4); short protein forms S175C, S82C, S48C.
Identifiers: ClinVar variation 4644581 (VCV004644581.1).